The following is an entry in ClinVar:

ClinVar aggregate classification (germline): Uncertain significance (1 of 4 stars; one submission).

Conditions:
CEP164-related disorder. Also called: CEP164-related condition.

Submission:

PreventionGenetics, part of Exact Sciences
Classification: Uncertain significance for CEP164-related condition. Last evaluated: 2025-05-21. Review status: criteria provided, single submitter. Criteria: ACMG Guidelines, 2015. Collection method: clinical testing. Allele origin: germline.
Comment: The CEP164 c.2237A>C variant is predicted to result in the amino acid substitution p.Lys746Thr. To our knowledge, this variant has not been reported in the literature or in a large population database (gnomAD), indicating this variant is rare. At this time, the clinical significance of this variant is uncertain due to the absence of conclusive functional and genetic evidence.

NM_014956.5(CEP164):c.2237A>C (p.Lys746Thr)

Gene: CEP164 (centrosomal protein 164; plus strand). Cytogenetic location: 11q23.3.
Variant type: single nucleotide variant.
Coding change: c.2237A>C on transcript NM_014956.5 (MANE Select); coding-DNA position 2237, A replaced by C.
Protein change: p.Lys746Thr; replaces lysine 746 with threonine.
Molecular consequence: missense variant.
Genome position (GRCh38, 1-based): chr11:117,391,169, A>C. VCF-style: chr11-117391169-A-C. GRCh37 (hg19) VCF-style: chr11-117261885-A-C.
Other names: c.2246A>C, p.Lys749Thr (NM_001271933.2, NM_001440949.1); c.2237A>C, p.Lys746Thr (NM_001440950.1, NM_001440951.1, NM_001440953.1); c.2072A>C, p.Lys691Thr (NM_001440952.1, NM_001440968.1, NM_001440969.1); c.2159A>C, p.Lys720Thr (NM_001440954.1, NM_001440955.1, NM_001440958.1 and 1 more transcripts); c.2150A>C, p.Lys717Thr (NM_001440956.1, NM_001440957.1); c.2108A>C, p.Lys703Thr (NM_001440960.1); c.2099A>C, p.Lys700Thr (NM_001440961.1, NM_001440967.1); c.2090A>C, p.Lys697Thr (NM_001440962.1, NM_001440963.1, NM_001440964.1 and 4 more transcripts); and 7 more; short protein forms K621T, K650T, K691T, K720T, K627T, K671T, K676T, K697T.
Identifiers: ClinVar variation 5002478 (VCV005002478.1).